The following is an entry in ClinVar:

NM_001267550.2(TTN):c.60726T>C (p.Tyr20242=)

Genes: TTN (titin; minus strand), TTN-AS1 (TTN antisense RNA 1; plus strand). Cytogenetic location: 2q31.2.
Variant type: single nucleotide variant.
Coding change: c.60726T>C on transcript NM_001267550.2 (MANE Select); coding-DNA position 60726, T replaced by C.
Protein change: p.Tyr20242=; no amino-acid change (tyrosine 20242 retained).
Molecular consequence: synonymous variant.
Genome position (GRCh38, 1-based): chr2:178,590,999, A>G on the plus strand (T>C on the coding strand, the complement: TTN is on the minus strand). VCF-style: chr2-178590999-A-G. GRCh37 (hg19) VCF-style: chr2-179455726-A-G.
Other names: c.55803T>C, p.Tyr18601= (NM_001256850.1); c.33531T>C, p.Tyr11177= (NM_003319.4); c.53022T>C, p.Tyr17674= (NM_133378.4); c.33906T>C, p.Tyr11302= (NM_133432.3); c.34107T>C, p.Tyr11369= (NM_133437.4).
Identifiers: ClinVar variation 699410 (VCV000699410.12), dbSNP rs145423907, ClinGen allele CA430266350.
Genomic context (GRCh38, chr2:178,590,999, plus strand): 5'-AGGTGTGGAGTCAAGGGGAGGACCAACACCTATCTTATTCTCTGCTCTAACTCGGAAAAC[A>G]TATTCACAGCCCTTCTGCAGATGTGGGATTTTCAGCTTTGTCTTACTGCTTCCGGAAGAG-3'
Protein context (NP_001254479.2, residues 20232-20252): KIPHLQKGCE[Tyr20242=]VFRVRAENKI

ClinVar aggregate classification (germline): Likely benign. Review status: criteria provided, multiple submitters, no conflicts (2 of 4 stars). 2 submissions from 2 submitters: Likely benign (2). Last evaluated 2026-09-01.

Conditions:
Dilated cardiomyopathy 1G (CMD1G). Identifiers: Orphanet 154, MedGen C1858763, MONDO:0011400, OMIM 604145.
Autosomal recessive limb-girdle muscular dystrophy type 2J (LGMDR10). Also called: Limb-girdle muscular dystrophy, type 2J; MUSCULAR DYSTROPHY, LIMB-GIRDLE, AUTOSOMAL RECESSIVE 10. Identifiers: Orphanet 140922, MedGen C1837342, MONDO:0012127, OMIM 608807.

Allele frequency attached by ClinVar (database versions not stated): TOPMed 0.00001.
gnomAD v4.1: 2 of 1,613,506 alleles (0.00012%); no homozygotes.

Submissions (2):

CeGaT Center for Human Genetics Tuebingen
Classification: Likely benign. Last evaluated: 2026-09-01. Review status: criteria provided, single submitter. Criteria: CeGaT Center For Human Genetics Tuebingen Variant Classification Criteria Version 2. Collection method: clinical testing. Allele origin: germline. Affected: yes. Observed: 1 variant allele.
Comment: TTN: BP4, BP7

Labcorp Genetics (formerly Invitae), Labcorp
Classification: Likely benign for Dilated cardiomyopathy 1G; Autosomal recessive limb-girdle muscular dystrophy type 2J. Last evaluated: 2025-08-06. Review status: criteria provided, single submitter. Criteria: Invitae Variant Classification Sherloc (09022015). Collection method: clinical testing. Allele origin: germline.